The following is an entry in ClinVar:

NM_004560.4(ROR2):c.1369A>G (p.Ile457Val)

Gene: ROR2 (ROR family WNT receptor 2; minus strand). Cytogenetic location: 9q22.31.
Variant type: single nucleotide variant.
Coding change: c.1369A>G on transcript NM_004560.4 (MANE Select); coding-DNA position 1369, A replaced by G.
Protein change: p.Ile457Val; replaces isoleucine 457 with valine.
Molecular consequence: missense variant. On other transcripts: 3 prime UTR variant (1).
Genome position (GRCh38, 1-based): chr9:91,726,558, T>C on the plus strand (A>G on the coding strand, the complement: ROR2 is on the minus strand). VCF-style: chr9-91726558-T-C. GRCh37 (hg19) VCF-style: chr9-94488840-T-C.
Other names: c.*36A>G (NM_001318204.2); short protein forms I457V.
Identifiers: ClinVar variation 2990367 (VCV002990367.5), dbSNP rs1427072225, ClinGen allele CA373799283.

ClinVar aggregate classification (germline): Uncertain significance. Review status: criteria provided, multiple submitters, no conflicts (2 of 4 stars). 3 submissions from 3 submitters: Uncertain significance (3). Last evaluated 2024-04-27.

Conditions:
Brachydactyly type B1 (BDB1). Identifiers: Orphanet 572385, Orphanet 93383, MedGen C1862112, MONDO:0007220, OMIM 113000.
Autosomal recessive Robinow syndrome (RRS1). Also called: ROR2-Related Robinow Syndrome; COSTOVERTEBRAL SEGMENTATION DEFECT WITH MESOMELIA; COVESDEM SYNDROME; ROBINOW SYNDROME, AUTOSOMAL RECESSIVE 1. Identifiers: Orphanet 1507, Orphanet 97360, MedGen C5399974, MONDO:0009999, OMIM 268310.

Allele frequency attached by ClinVar (database versions not stated): gnomAD exomes below 0.00001; TOPMed below 0.00001; gnomAD 0.00001.
gnomAD v4.1: 9 of 1,612,460 alleles (0.00056%); highest among the groups gnomAD compares: Non-Finnish European, 0.00042%; no homozygotes.

Submissions (3):

Fulgent Genetics
Classification: Uncertain significance for Brachydactyly type B1; Autosomal recessive Robinow syndrome. Last evaluated: 2024-04-27. Review status: criteria provided, single submitter. Criteria: ACMG Guidelines, 2015. Collection method: clinical testing. Allele origin: germline.

Labcorp Genetics (formerly Invitae), Labcorp
Classification: Uncertain significance. Last evaluated: 2023-11-28. Review status: criteria provided, single submitter. Criteria: Invitae Variant Classification Sherloc (09022015). Collection method: clinical testing. Allele origin: germline.
Comment: This sequence change replaces isoleucine, which is neutral and non-polar, with valine, which is neutral and non-polar, at codon 457 of the ROR2 protein (p.Ile457Val). This variant is present in population databases (no rsID available, gnomAD 0.004%). This variant has not been reported in the literature in individuals affected with ROR2-related conditions. Advanced modeling of protein sequence and biophysical properties (such as structural, functional, and spatial information, amino acid conservation, physicochemical variation, residue mobility, and thermodynamic stability) performed at Invitae indicates that this missense variant is not expected to disrupt ROR2 protein function with a negative predictive value of 80%. In summary, the available evidence is currently insufficient to determine the role of this variant in disease. Therefore, it has been classified as a Variant of Uncertain Significance.

Blueprint Genetics
Classification: Uncertain significance. Last evaluated: 2019-10-24. Review status: criteria provided, single submitter. Criteria: ACMG Guidelines, 2015. Collection method: clinical testing. Allele origin: germline.